The following is an entry in ClinVar:

NM_004104.5(FASN):c.2734G>C (p.Val912Leu)

Gene: FASN (fatty acid synthase; minus strand). Cytogenetic location: 17q25.3.
Variant type: single nucleotide variant.
Coding change: c.2734G>C on transcript NM_004104.5 (MANE Select); coding-DNA position 2734, G replaced by C.
Protein change: p.Val912Leu; replaces valine 912 with leucine.
Molecular consequence: missense variant.
Genome position (GRCh38, 1-based): chr17:82,088,167, C>G on the plus strand (G>C on the coding strand, the complement: FASN is on the minus strand). VCF-style: chr17-82088167-C-G. GRCh37 (hg19) VCF-style: chr17-80046043-C-G.
Other names: short protein forms V912L.
Identifiers: ClinVar variation 3694959 (VCV003694959.2).
Genomic context (GRCh38, chr17:82,088,167, plus strand): 5'-ACCCCTCACCAGTCTTGGGCAGGATGGTGGCCTGGTGCAGCACCACATCCTCAAACACCA[C>G]AGGCAGCTGCTCGACGCCCAGGCCCAGGGCGCGGGCCAGCGTCTTCCACACTATGCTCAG-3'
Protein context (NP_004095.4, residues 902-922): ALGLGVEQLP[Val912Leu]VFEDVVLHQA

ClinVar aggregate classification (germline): Uncertain significance (1 of 4 stars; one submission).

Conditions:
Epileptic encephalopathy. Identifiers: MedGen C0543888, HP:0200134.

gnomAD v4.1: 3 of 1,612,794 alleles (0.00019%); highest among the groups gnomAD compares: East Asian, 0.0022%; no homozygotes.

Submission:

Labcorp Genetics (formerly Invitae), Labcorp
Classification: Uncertain significance for Epileptic encephalopathy. Last evaluated: 2024-12-06. Review status: criteria provided, single submitter. Criteria: Invitae Variant Classification Sherloc (09022015). Collection method: clinical testing. Allele origin: germline.
Comment: This sequence change replaces valine, which is neutral and non-polar, with leucine, which is neutral and non-polar, at codon 912 of the FASN protein (p.Val912Leu). This variant is not present in population databases (gnomAD no frequency). This variant has not been reported in the literature in individuals affected with FASN-related conditions. An algorithm developed to predict the effect of missense changes on protein structure and function (PolyPhen-2) suggests that this variant is likely to be disruptive. In summary, the available evidence is currently insufficient to determine the role of this variant in disease. Therefore, it has been classified as a Variant of Uncertain Significance.